The following is an entry in ClinVar:

NM_002474.3(MYH11):c.4045C>T (p.Gln1349Ter)

Genes: MYH11 (myosin heavy chain 11; minus strand), NDE1 (nudE neurodevelopment protein 1; plus strand). Cytogenetic location: 16p13.11.
Variant type: single nucleotide variant.
Coding change: c.4045C>T on transcript NM_002474.3 (MANE Select); coding-DNA position 4045, C replaced by T.
Protein change: p.Gln1349Ter; replaces glutamine 1349 with a stop codon.
Molecular consequence: nonsense. On other transcripts: 3 prime UTR variant (2).
Genome position (GRCh38, 1-based): chr16:15,724,718, G>A on the plus strand (C>T on the coding strand, the complement: MYH11 is on the minus strand). VCF-style: chr16-15724718-G-A. GRCh37 (hg19) VCF-style: chr16-15818575-G-A.
Other names: NC_000016.9:g.15818575G>A; c.4066C>T, p.Gln1356Ter (NM_001040113.2, NM_001040114.2); c.4045C>T, p.Gln1349Ter (NM_022844.3); c.*467G>A (NM_001143979.2, NM_017668.3); short protein forms Q1349*, Q1356*.
Identifiers: ClinVar variation 4408365 (VCV004408365.2).

ClinVar aggregate classification (germline): Pathogenic (1 of 4 stars; one submission).

Conditions:
Aortic aneurysm, familial thoracic 4 (AAT4). Also called: AORTIC ANEURYSM/AORTIC DISSECTION AND PATENT DUCTUS ARTERIOSUS. Identifiers: MedGen C1851504, MONDO:0007568, OMIM 132900.

Submissions (2):

Institute of Human Genetics, University of Leipzig Medical Center
Classification: Pathogenic for Aortic aneurysm, familial thoracic 4. Last evaluated: 2026-04-28. Review status: criteria provided, single submitter. Criteria: ACMG Guidelines, 2015. Collection method: clinical testing. Allele origin: unknown. Affected: yes.
Comment: Criteria applied: PVS1,PM2

Dr. Peter K. Rogan Lab, Western University
No classification provided (evidence only). Condition: Gastric cancer. Review status: no classification provided. Collection method: in vitro. Allele origin: not applicable. Functional consequence: retained intron. Not counted in ClinVar's aggregate classification.